The following is an entry in ClinVar:

NM_015015.3(KDM4B):c.288C>T (p.Gly96=)

Gene: KDM4B (lysine demethylase 4B; plus strand). Cytogenetic location: 19p13.3.
Variant type: single nucleotide variant.
Coding change: c.288C>T on transcript NM_015015.3 (MANE Select); coding-DNA position 288, C replaced by T.
Protein change: p.Gly96=; no amino-acid change (glycine 96 retained).
Molecular consequence: synonymous variant.
Genome position (GRCh38, 1-based): chr19:5,039,982, C>T. VCF-style: chr19-5039982-C-T. GRCh37 (hg19) VCF-style: chr19-5039993-C-T.
Other names: c.288C>T, p.Gly96= (NM_001370093.1, NM_001370094.1).
Identifiers: ClinVar variation 983500 (VCV000983500.4), dbSNP rs1395918076, ClinGen allele CA505052173.

ClinVar aggregate classification (germline): Conflicting classifications of pathogenicity. Review status: criteria provided, conflicting classifications (1 of 4 stars). 3 submissions from 3 submitters: Likely pathogenic (1); Uncertain significance (1). 1 of the submissions does not count toward it. Last evaluated 2024-12-28.

Conditions:
Intellectual developmental disorder, autosomal dominant 65. Also called: MENTAL RETARDATION, AUTOSOMAL DOMINANT 65. Identifiers: MedGen C5543371, MONDO:0023657, OMIM 619320.
Syndromic global developmental delay.

Allele frequency attached by ClinVar (database versions not stated): gnomAD exomes below 0.00001.
gnomAD v4.1: 1 of 1,611,802 alleles (0.000062%); highest among the groups gnomAD compares: Non-Finnish European, 0.000085%; no homozygotes.

Submissions (3):

Laboratorio de Genetica e Diagnostico Molecular, Hospital Israelita Albert Einstein
Classification: Uncertain significance for Intellectual developmental disorder, autosomal dominant 65. Last evaluated: 2024-12-28. Review status: criteria provided, single submitter. Criteria: ACMG Guidelines, 2015. Collection method: clinical testing. Allele origin: germline. Affected: yes.
Comment: ACMG classification criteria: PM2 supporting, PP3 supporting

Clinical Genomics Laboratory, Washington University in St. Louis
Classification: Likely pathogenic for Intellectual developmental disorder, autosomal dominant 65. Last evaluated: 2024-08-05. Review status: criteria provided, single submitter. Criteria: ACMG Guidelines, 2015. Collection method: clinical testing. Allele origin: germline. Affected: yes.
Comment: The KDM4B c.288C>T (p.Gly96=) variant has been reported as de novo in one individual with global developmental delay and seizures (Duncan AR et al., PMID: 33232677). This variant is absent from the general population (gnomAD v.2.1.1), indicating it is not a common variant. This variant creates a new donor splice site resulting in a 31 nucleotide deletion and resulting frameshift (p.Gly97Thrfs*66) (Duncan AR et al., PMID: 33232677). This leads to a premature termination codon, which is predicted to lead to nonsense mediated decay. This variant has been reported in the ClinVar database as a germline likely pathogenic variant by one submitter. Based on available information and the ACMG/AMP guidelines for variant interpretation (Richards S et al., PMID: 25741868), this variant is classified as likely pathogenic.

Amsterdam UMC Genome Diagnostics, Amsterdam University Medical Center
Classification: Likely pathogenic for Syndromic global developmental delay. Last evaluated: 2020-10-30. Review status: no assertion criteria provided. Collection method: clinical testing. Allele origin: de novo. Affected: yes. Observed: 1 variant allele. Not counted in ClinVar's aggregate classification.
Comment: This variant c.288C>T creates an ectopic splice site resulting in a 31 nt deletion in the mRNA r.287_317del, and a frameshift p.(Glu97Thrfs*66)